The following is an entry in ClinVar:

NM_022124.6(CDH23):c.8020C>T (p.Gln2674Ter)

Genes: CDH23 (cadherin related 23; plus strand), LOC111982869 (Sharpr-MPRA regulatory region 2121; plus strand). Cytogenetic location: 10q22.1.
Variant type: single nucleotide variant.
Coding change: c.8020C>T on transcript NM_022124.6 (MANE Select); coding-DNA position 8020, C replaced by T.
Protein change: p.Gln2674Ter; replaces glutamine 2674 with a stop codon.
Molecular consequence: nonsense.
Genome position (GRCh38, 1-based): chr10:71,805,953, C>T. VCF-style: chr10-71805953-C-T. GRCh37 (hg19) VCF-style: chr10-73565710-C-T.
Other names: c.1300C>T, p.Gln434Ter (NM_001171933.1, NM_001171934.1); short protein forms Q434*, Q2674*.
Identifiers: ClinVar variation 2698952 (VCV002698952.3), dbSNP rs1462498220, ClinGen allele CA377162171.

ClinVar aggregate classification (germline): Pathogenic (1 of 4 stars; one submission).

Submission:

Labcorp Genetics (formerly Invitae), Labcorp
Classification: Pathogenic. Last evaluated: 2023-11-25. Review status: criteria provided, single submitter. Criteria: Invitae Variant Classification Sherloc (09022015). Collection method: clinical testing. Allele origin: germline.
Comment: This sequence change creates a premature translational stop signal (p.Gln2674*) in the CDH23 gene. It is expected to result in an absent or disrupted protein product. Loss-of-function variants in CDH23 are known to be pathogenic (PMID: 11138009, 21940737). This variant is not present in population databases (gnomAD no frequency). This variant has not been reported in the literature in individuals affected with CDH23-related conditions. For these reasons, this variant has been classified as Pathogenic.

Literature cited by the submitters: PubMed 11138009; PubMed 21940737.